The following is an entry in ClinVar:

NM_002878.4(RAD51D):c.73A>C (p.Ile25Leu)

Genes: RAD51L3-RFFL (RAD51L3-RFFL readthrough; minus strand), RAD51D (RAD51 paralog D; minus strand). Cytogenetic location: 17q12.
Variant type: single nucleotide variant.
Coding change: c.73A>C on transcript NM_002878.4 (MANE Select); coding-DNA position 73, A replaced by C.
Protein change: p.Ile25Leu; replaces isoleucine 25 with leucine.
Molecular consequence: missense variant. On other transcripts: non-coding transcript variant (2).
Genome position (GRCh38, 1-based): chr17:35,119,541, T>G on the plus strand (A>C on the coding strand, the complement: RAD51D is on the minus strand). VCF-style: chr17-35119541-T-G. GRCh37 (hg19) VCF-style: chr17-33446560-T-G.
Other names: c.73A>C, p.Ile25Leu (NM_001142571.2, NM_133629.3); short protein forms I25L.
Identifiers: ClinVar variation 827019 (VCV000827019.12), dbSNP rs1597878522, ClinGen allele CA399092294.

ClinVar aggregate classification (germline): Uncertain significance. Review status: criteria provided, multiple submitters, no conflicts (2 of 4 stars). 2 submissions from 2 submitters: Uncertain significance (2). Last evaluated 2020-12-03.

Conditions:
Hereditary cancer-predisposing syndrome. Also called: Neoplastic Syndromes, Hereditary; Tumor predisposition; Hereditary neoplastic syndrome; Hereditary Cancer Syndrome. Identifiers: Orphanet 140162, MedGen C0027672, MeSH D009386, MONDO:0015356.
Breast-ovarian cancer, familial, susceptibility to, 4. Identifiers: Orphanet 145, MedGen C3280345, MONDO:0013669, OMIM 614291.

Submissions (2):

Labcorp Genetics (formerly Invitae), Labcorp
Classification: Uncertain significance for Breast-ovarian cancer, familial, susceptibility to, 4. Last evaluated: 2020-12-03. Review status: criteria provided, single submitter. Criteria: Invitae Variant Classification Sherloc (09022015). Collection method: clinical testing. Allele origin: germline.
Comment: In summary, the available evidence is currently insufficient to determine the role of this variant in disease. Therefore, it has been classified as a Variant of Uncertain Significance. Algorithms developed to predict the effect of missense changes on protein structure and function (SIFT, PolyPhen-2, Align-GVGD) all suggest that this variant is likely to be tolerated, but these predictions have not been confirmed by published functional studies and their clinical significance is uncertain. This variant has not been reported in the literature in individuals with RAD51D-related conditions. ClinVar contains an entry for this variant (Variation ID: 827019). This variant is not present in population databases (ExAC no frequency). This sequence change replaces isoleucine with leucine at codon 25 of the RAD51D protein (p.Ile25Leu). The isoleucine residue is moderately conserved and there is a small physicochemical difference between isoleucine and leucine.

Ambry Genetics
Classification: Uncertain significance for Hereditary cancer-predisposing syndrome. Last evaluated: 2018-12-01. Review status: criteria provided, single submitter. Criteria: Ambry Variant Classification Scheme 2023. Collection method: clinical testing. Allele origin: germline.
Comment: The p.I25L variant (also known as c.73A>C), located in coding exon 1 of the RAD51D gene, results from an A to C substitution at nucleotide position 73. The isoleucine at codon 25 is replaced by leucine, an amino acid with highly similar properties. This amino acid position is highly conserved in available vertebrate species. In addition, this alteration is predicted to be tolerated by in silico analysis. Since supporting evidence is limited at this time, the clinical significance of this alteration remains unclear.